The following is an entry in ClinVar:

ClinVar aggregate classification (germline): Likely benign. Review status: criteria provided, multiple submitters, no conflicts (2 of 4 stars). 5 submissions from 5 submitters: Likely benign (4). 1 of the submissions does not count toward it. Last evaluated 2025-11-23.

Conditions:
ATP7B-related disorder. Also called: ATP7B-related condition.
Inborn genetic diseases. Identifiers: MedGen C0950123, MeSH D030342.
Wilson disease (WND). Also called: Wilson's disease. Identifiers: Orphanet 905, MedGen C0019202, MONDO:0010200, OMIM 277900. Disease mechanism: loss of function.

Allele frequency attached by ClinVar (database versions not stated): TOPMed below 0.00001; ExAC 0.00001; gnomAD 0.00001; gnomAD exomes 0.00001 and 0.00002; ESP Exome Variant Server 0.00008.
gnomAD v4.1: 22 of 1,614,008 alleles (0.0014%); highest among the groups gnomAD compares: Non-Finnish European, 0.0018%; no homozygotes.

Submissions (5):

Labcorp Genetics (formerly Invitae), Labcorp
Classification: Likely benign for Wilson disease. Last evaluated: 2025-11-23. Review status: criteria provided, single submitter. Criteria: Invitae Variant Classification Sherloc (09022015). Collection method: clinical testing. Allele origin: germline.

Ambry Genetics
Classification: Likely benign for Inborn genetic diseases. Last evaluated: 2024-12-05. Review status: criteria provided, single submitter. Criteria: Ambry Variant Classification Scheme 2023. Collection method: clinical testing. Allele origin: germline.

All of Us Research Program, National Institutes of Health
Classification: Likely benign for Wilson disease. Last evaluated: 2024-03-24. Review status: criteria provided, single submitter. Criteria: ACMG Guidelines, 2015. Collection method: clinical testing. Allele origin: germline. Inheritance: Autosomal recessive inheritance. Observed: 2 variant alleles, 2 heterozygotes.
Comment: This study involves interpretation of variants in research participants for the purpose of population health screening. Participant phenotype was not available at the time of variant classification. Additional details can be found in publication PMID: 35346344, PMCID: PMC8962531

Blueprint Genetics
Classification: Likely benign. Last evaluated: 2023-08-22. Review status: criteria provided, single submitter. Criteria: ACMG Guidelines, 2015. Collection method: clinical testing. Allele origin: germline.

PreventionGenetics, part of Exact Sciences
Classification: Likely benign for ATP7B-related condition. Last evaluated: 2023-06-07. Review status: no assertion criteria provided. Collection method: clinical testing. Allele origin: germline. Not counted in ClinVar's aggregate classification.
Comment: This variant is classified as likely benign based on ACMG/AMP sequence variant interpretation guidelines (Richards et al. 2015 PMID: 25741868, with internal and published modifications).

NM_000053.4(ATP7B):c.1567T>C (p.Leu523=)

Gene: ATP7B (ATPase copper transporting beta; minus strand). Cytogenetic location: 13q14.3.
Variant type: single nucleotide variant.
Coding change: c.1567T>C on transcript NM_000053.4 (MANE Select); coding-DNA position 1567, T replaced by C.
Protein change: p.Leu523=; no amino-acid change (leucine 523 retained).
Molecular consequence: synonymous variant.
Genome position (GRCh38, 1-based): chr13:51,968,584, A>G on the plus strand (T>C on the coding strand, the complement: ATP7B is on the minus strand). VCF-style: chr13-51968584-A-G. GRCh37 (hg19) VCF-style: chr13-52542720-A-G.
Other names: c.1567T>C, p.Leu523= (NM_001005918.3, NM_001330578.2, NM_001330579.2); c.1234T>C, p.Leu412= (NM_001243182.2); c.1567T>C (NM_000053.3).
Identifiers: ClinVar variation 1140792 (VCV001140792.13), dbSNP rs368662351, ClinGen allele CA6989301.